The following is an entry in ClinVar:

NM_022124.6(CDH23):c.4519C>T (p.Arg1507Trp)

Gene: CDH23 (cadherin related 23; plus strand). Cytogenetic location: 10q22.1.
Variant type: single nucleotide variant.
Coding change: c.4519C>T on transcript NM_022124.6 (MANE Select); coding-DNA position 4519, C replaced by T.
Protein change: p.Arg1507Trp; replaces arginine 1507 with tryptophan.
Molecular consequence: missense variant.
Genome position (GRCh38, 1-based): chr10:71,740,852, C>T. VCF-style: chr10-71740852-C-T. GRCh37 (hg19) VCF-style: chr10-73500609-C-T.
Other names: c.4519C>T (NM_022124.5); short protein forms R1507W.
Identifiers: ClinVar variation 989833 (VCV000989833.12), dbSNP rs760927863, ClinGen allele CA5545082.
Genomic context (GRCh38, chr10:71,740,852, plus strand): 5'-CCCTGACTCCAGTTGCCCTCCTCCTTGCAGGTTGTGGCTTCTGACCGAGGCACCCCTCCA[C>T]GGAAGAAGGACCACATCCTGCAGGTGACCATCCTGGACATCAATGACAACCCTCCAGTCA-3'
Protein context (NP_071407.4, residues 1497-1517): VVASDRGTPP[Arg1507Trp]KKDHILQVTI

ClinVar aggregate classification (germline): Uncertain significance. Review status: criteria provided, multiple submitters, no conflicts (2 of 4 stars). 7 submissions from 7 submitters: Uncertain significance (4). 3 of the submissions do not count toward it. Last evaluated 2026-09-25.

Conditions:
Usher syndrome type 1 (USH1). Also called: RETINITIS PIGMENTOSA AND CONGENITAL DEAFNESS. Identifiers: Orphanet 231169, Orphanet 886, MedGen C1568247, MONDO:0010168, OMIM 276900.

Allele frequency attached by ClinVar (database versions not stated): ExAC 0.00001; gnomAD 0.00001; TOPMed 0.00001; gnomAD exomes 0.00002.
gnomAD v4.1: 24 of 1,613,702 alleles (0.0015%); highest among the groups gnomAD compares: South Asian, 0.0077%; no homozygotes.

Submissions (7):

GeneDx
Classification: Uncertain significance. Last evaluated: 2026-09-25. Review status: criteria provided, single submitter. Criteria: GeneDx Variant Classification Process June 2021. Collection method: clinical testing. Allele origin: germline.
Comment: In silico analysis supports that this missense variant has a deleterious effect on protein structure/function; Has not been previously published as pathogenic or benign to our knowledge

Revvity Omics, Revvity
Classification: Uncertain significance. Last evaluated: 2025-06-17. Review status: criteria provided, single submitter. Criteria: ACMG Guidelines, 2015. Collection method: clinical testing. Allele origin: germline.

Labcorp Genetics (formerly Invitae), Labcorp
Classification: Uncertain significance. Last evaluated: 2024-12-02. Review status: criteria provided, single submitter. Criteria: Invitae Variant Classification Sherloc (09022015). Collection method: clinical testing. Allele origin: germline.
Comment: This sequence change replaces arginine, which is basic and polar, with tryptophan, which is neutral and slightly polar, at codon 1507 of the CDH23 protein (p.Arg1507Trp). This variant is present in population databases (rs760927863, gnomAD 0.008%). This variant has not been reported in the literature in individuals affected with CDH23-related conditions. ClinVar contains an entry for this variant (Variation ID: 989833). Invitae Evidence Modeling of protein sequence and biophysical properties (such as structural, functional, and spatial information, amino acid conservation, physicochemical variation, residue mobility, and thermodynamic stability) has been performed for this missense variant. However, the output from this modeling did not meet the statistical confidence thresholds required to predict the impact of this variant on CDH23 protein function. In summary, the available evidence is currently insufficient to determine the role of this variant in disease. Therefore, it has been classified as a Variant of Uncertain Significance.

Blueprint Genetics
Classification: Uncertain significance. Last evaluated: 2021-06-30. Review status: criteria provided, single submitter. Criteria: ACMG Guidelines, 2015. Collection method: clinical testing. Allele origin: germline.

Natera, Inc.
Classification: Uncertain significance for Usher syndrome type 1. Last evaluated: 2020-04-15. Review status: no assertion criteria provided. Collection method: clinical testing. Allele origin: germline. Not counted in ClinVar's aggregate classification.

Clinical Genetics, Academic Medical Center
Classification: Uncertain significance. Review status: no assertion criteria provided. Collection method: clinical testing. Allele origin: germline. Affected: yes. Study: VKGL Data-share Consensus. Not counted in ClinVar's aggregate classification.

Diagnostic Laboratory, Department of Genetics, University Medical Center Groningen
Classification: Uncertain significance. Review status: no assertion criteria provided. Collection method: clinical testing. Allele origin: germline. Affected: yes. Study: VKGL Data-share Consensus. Not counted in ClinVar's aggregate classification.